The following is an entry in ClinVar:

NM_024312.5(GNPTAB):c.2957G>C (p.Arg986Pro)

Gene: GNPTAB (N-acetylglucosamine-1-phosphate transferase subunits alpha and beta; minus strand). Cytogenetic location: 12q23.2.
Variant type: single nucleotide variant.
Coding change: c.2957G>C on transcript NM_024312.5 (MANE Select); coding-DNA position 2957, G replaced by C.
Protein change: p.Arg986Pro; replaces arginine 986 with proline.
Molecular consequence: missense variant.
Genome position (GRCh38, 1-based): chr12:101,761,305, C>G on the plus strand (G>C on the coding strand, the complement: GNPTAB is on the minus strand). VCF-style: chr12-101761305-C-G. GRCh37 (hg19) VCF-style: chr12-102155083-C-G.
Other names: short protein forms R986P.
Identifiers: ClinVar variation 1324494 (VCV001324494.5), dbSNP rs776312538, ClinGen allele CA6746286.

ClinVar aggregate classification (germline): Conflicting classifications of pathogenicity. Review status: criteria provided, conflicting classifications (1 of 4 stars). 2 submissions from 2 submitters: Likely pathogenic (1); Uncertain significance (1). Last evaluated 2025-05-05.

gnomAD v4.1: 3 of 1,614,080 alleles (0.00019%); highest among the groups gnomAD compares: Non-Finnish European, 0.00017%; no homozygotes.

Submissions (2):

Women's Health and Genetics/Laboratory Corporation of America, LabCorp
Classification: Uncertain significance. Last evaluated: 2025-05-05. Review status: criteria provided, single submitter. Criteria: LabCorp Variant Classification Summary - May 2015. Collection method: clinical testing. Allele origin: germline.
Comment: Variant summary: GNPTAB c.2957G>C (p.Arg986Pro) results in a non-conservative amino acid change in the encoded protein sequence. Algorithms developed to predict the effect of missense changes on protein structure and function all suggest that this variant is likely to be disruptive. The variant allele was found at a frequency of 4e-06 in 251290 control chromosomes (gnomAD). To our knowledge, no occurrence of c.2957G>C in individuals affected with Mucolipidosis and no experimental evidence demonstrating its impact on protein function have been reported. Two different variants affecting the same codon has been classified as likely pathogenic/pathogenic by our lab (c.2956C>T, p.Arg986Cys and c.2957G>A, p.Arg986His), supporting the critical relevance of codon 986 to GNPTAB protein function. ClinVar contains an entry for this variant (Variation ID: 1324494). Based on the evidence outlined above, the variant was classified as VUS-possibly pathogenic.

Revvity Omics, Revvity
Classification: Likely pathogenic. Last evaluated: 2023-10-23. Review status: criteria provided, single submitter. Criteria: ACMG Guidelines, 2015. Collection method: clinical testing. Allele origin: germline.